The following is an entry in ClinVar:

ClinVar aggregate classification (germline): Uncertain significance (1 of 4 stars; one submission).

Conditions:
Nemaline myopathy 6 (NEM6). Also called: Nemaline myopathy 6, autosomal dominant. Identifiers: Orphanet 171439, MedGen C1836472, MONDO:0012237, OMIM 609273.

Submission:

Labcorp Genetics (formerly Invitae), Labcorp
Classification: Uncertain significance for Nemaline myopathy 6. Last evaluated: 2024-11-21. Review status: criteria provided, single submitter. Criteria: Invitae Variant Classification Sherloc (09022015). Collection method: clinical testing. Allele origin: germline.
Comment: This sequence change replaces proline, which is neutral and non-polar, with serine, which is neutral and polar, at codon 244 of the KBTBD13 protein (p.Pro244Ser). This variant is not present in population databases (gnomAD no frequency). This variant has not been reported in the literature in individuals affected with KBTBD13-related conditions. Invitae Evidence Modeling of protein sequence and biophysical properties (such as structural, functional, and spatial information, amino acid conservation, physicochemical variation, residue mobility, and thermodynamic stability) indicates that this missense variant is not expected to disrupt KBTBD13 protein function with a negative predictive value of 80%. In summary, the available evidence is currently insufficient to determine the role of this variant in disease. Therefore, it has been classified as a Variant of Uncertain Significance.

NM_001101362.3(KBTBD13):c.730C>T (p.Pro244Ser)

Gene: KBTBD13 (kelch repeat and BTB domain containing 13; plus strand). Cytogenetic location: 15q22.31.
Variant type: single nucleotide variant.
Coding change: c.730C>T on transcript NM_001101362.3 (MANE Select); coding-DNA position 730, C replaced by T.
Protein change: p.Pro244Ser; replaces proline 244 with serine.
Molecular consequence: missense variant.
Genome position (GRCh38, 1-based): chr15:65,077,545, C>T. VCF-style: chr15-65077545-C-T. GRCh37 (hg19) VCF-style: chr15-65369883-C-T.
Other names: short protein forms P244S.
Identifiers: ClinVar variation 3616095 (VCV003616095.2).
Genomic context (GRCh38, chr15:65,077,545, plus strand): 5'-GTGGTAGAGCTGGGCTTCTGCTACGACCCCGACGGCGGCACGTGGCACGAGTTCCCCAGC[C>T]CGCACCAGCCGCGCTATGACACAGCGCTGGCCGGCTTCGACGGCCGCCTCTACGCCATCG-3'
Protein context (NP_001094832.1, residues 234-254): DGGTWHEFPS[Pro244Ser]HQPRYDTALA